The following is an entry in ClinVar:

NM_001854.4(COL11A1):c.4859G>A (p.Gly1620Asp)

Gene: COL11A1 (collagen type XI alpha 1 chain; minus strand). Cytogenetic location: 1p21.1.
Variant type: single nucleotide variant.
Coding change: c.4859G>A on transcript NM_001854.4 (MANE Select); coding-DNA position 4859, G replaced by A.
Protein change: p.Gly1620Asp; replaces glycine 1620 with aspartic acid.
Molecular consequence: missense variant. On other transcripts: non-coding transcript variant (1).
Genome position (GRCh38, 1-based): chr1:102,883,311, C>T on the plus strand (G>A on the coding strand, the complement: COL11A1 is on the minus strand). VCF-style: chr1-102883311-C-T. GRCh37 (hg19) VCF-style: chr1-103348867-C-T.
Other names: c.4511G>A, p.Gly1504Asp (NM_001168249.1, NM_080630.4); c.4742G>A, p.Gly1581Asp (NM_001190709.2); c.4895G>A, p.Gly1632Asp (NM_080629.3); short protein forms G1504D, G1581D, G1620D, G1632D.
Identifiers: ClinVar variation 2442232 (VCV002442232.3), dbSNP rs1650496598, ClinGen allele CA341211684.

ClinVar aggregate classification (germline): Uncertain significance. Review status: criteria provided, multiple submitters, no conflicts (2 of 4 stars). 4 submissions from 2 submitters: Uncertain significance (4). Last evaluated 2024-03-07.

Conditions:
Marshall syndrome (MRSHS). Identifiers: Orphanet 560, MedGen C0265235, MONDO:0007949, OMIM 154780.
Stickler syndrome type 2 (STL2). Also called: COL11A1-Related Stickler Syndrome; STICKLER SYNDROME, BEADED VITREOUS TYPE; STICKLER SYNDROME, VITREOUS TYPE 2; STICKLER SYNDROME, TYPE II. Identifiers: Orphanet 828, Orphanet 90654, MedGen C1858084, MONDO:0011493, OMIM 604841.
Hearing loss, autosomal dominant 37. Also called: DEAFNESS, AUTOSOMAL DOMINANT 37. Identifiers: MedGen C4760307, MONDO:0032802, OMIM 618533.

Allele frequency attached by ClinVar (database versions not stated): gnomAD exomes below 0.00001; gnomAD 0.00001.
gnomAD v4.1: 4 of 1,599,246 alleles (0.00025%); highest among the groups gnomAD compares: African/African-American, 0.0013%; no homozygotes.

Submissions (4):

Labcorp Genetics (formerly Invitae), Labcorp
Classification: Uncertain significance. Last evaluated: 2024-03-07. Review status: criteria provided, single submitter. Criteria: Invitae Variant Classification Sherloc (09022015). Collection method: clinical testing. Allele origin: germline.
Comment: This sequence change replaces glycine, which is neutral and non-polar, with aspartic acid, which is acidic and polar, at codon 1620 of the COL11A1 protein (p.Gly1620Asp). This variant is not present in population databases (gnomAD no frequency). This variant has not been reported in the literature in individuals affected with COL11A1-related conditions. ClinVar contains an entry for this variant (Variation ID: 2442232). Experimental studies and prediction algorithms are not available or were not evaluated, and the functional significance of this variant is currently unknown. In summary, the available evidence is currently insufficient to determine the role of this variant in disease. Therefore, it has been classified as a Variant of Uncertain Significance.

Baylor Genetics
Classification: Uncertain significance for Marshall syndrome. Last evaluated: 2022-05-26. Review status: criteria provided, single submitter. Criteria: ACMG Guidelines, 2015. Collection method: clinical testing. Allele origin: unknown.

Baylor Genetics
Classification: Uncertain significance for Hearing loss, autosomal dominant 37. Last evaluated: 2022-05-26. Review status: criteria provided, single submitter. Criteria: ACMG Guidelines, 2015. Collection method: clinical testing. Allele origin: unknown.

Baylor Genetics
Classification: Uncertain significance for Stickler syndrome type 2. Last evaluated: 2022-05-26. Review status: criteria provided, single submitter. Criteria: ACMG Guidelines, 2015. Collection method: clinical testing. Allele origin: unknown.